The following is an entry in ClinVar:

ClinVar aggregate classification (germline): Benign/Likely benign. Review status: criteria provided, multiple submitters, no conflicts (2 of 4 stars). 10 submissions from 10 submitters: Benign (3); Likely benign (4). 3 of the submissions do not count toward it. Last evaluated 2026-03-01.

Conditions:
Polycystic kidney disease, adult type (PKD1). Also called: POLYCYSTIC KIDNEY DISEASE, ADULT, TYPE I; Polycystic Kidney, Autosomal Dominant; POLYCYSTIC KIDNEY DISEASE 1 WITH OR WITHOUT POLYCYSTIC LIVER DISEASE; Polycystic Kidney Disease 1, Autosomal Dominant; Polycystic kidney disease 1; Polycystic kidney disease 1, severe. Identifiers: MedGen C3149841, MONDO:0008263, OMIM 173900.

Allele frequency attached by ClinVar (database versions not stated): 1000 Genomes Project 30x 0.00016; 1000 Genomes Project 0.00020; ESP Exome Variant Server 0.00117; TOPMed 0.00122; gnomAD 0.00151 and 0.00162; gnomAD exomes 0.00187 and 0.00203; ExAC 0.00419.
gnomAD v4.1: 3,115 of 1,577,908 alleles (0.2%); highest among the groups gnomAD compares: Non-Finnish European, 0.22%; 13 homozygotes.

Submissions (10):

CeGaT Center for Human Genetics Tuebingen
Classification: Likely benign. Last evaluated: 2026-03-01. Review status: criteria provided, single submitter. Criteria: CeGaT Center For Human Genetics Tuebingen Variant Classification Criteria Version 2. Collection method: clinical testing. Allele origin: germline. Affected: yes. Observed: 1 variant allele.
Comment: PKD1: BP4, BP7

Women's Health and Genetics/Laboratory Corporation of America, LabCorp
Classification: Likely benign. Last evaluated: 2025-07-22. Review status: criteria provided, single submitter. Criteria: LabCorp Variant Classification Summary - May 2015. Collection method: clinical testing. Allele origin: germline.

Blueprint Genetics
Classification: Likely benign. Last evaluated: 2024-11-07. Review status: criteria provided, single submitter. Criteria: ACMG Guidelines, 2015. Collection method: clinical testing. Allele origin: germline.

Department of Pathology and Laboratory Medicine, Sinai Health System
Classification: Benign for Polycystic kidney disease, adult type. Last evaluated: 2022-08-12. Review status: criteria provided, single submitter. Criteria: ACMG Guidelines, 2015. Collection method: clinical testing. Allele origin: germline. Affected: yes.

GeneDx
Classification: Likely benign. Last evaluated: 2021-05-26. Review status: criteria provided, single submitter. Criteria: GeneDx Variant Classification Process June 2021. Collection method: clinical testing. Allele origin: germline. Affected: yes.
Comment: This variant is associated with the following publications: (PMID: 24374109, 18837007)

ARUP Laboratories, Molecular Genetics and Genomics, ARUP Laboratories
Classification: Benign for Polycystic kidney disease, adult type. Last evaluated: 2018-10-05. Review status: criteria provided, single submitter. Criteria: ARUP Molecular Germline Variant Investigation Process. Collection method: clinical testing. Allele origin: germline.

Athena Diagnostics
Classification: Benign. Last evaluated: 2016-12-02. Review status: criteria provided, single submitter. Criteria: Athena Diagnostics Criteria. Collection method: clinical testing. Allele origin: germline.

Clinical Genetics DNA and cytogenetics Diagnostics Lab, Erasmus MC, Erasmus Medical Center
Classification: Likely benign. Review status: no assertion criteria provided. Collection method: clinical testing. Allele origin: germline. Affected: yes. Study: VKGL Data-share Consensus. Not counted in ClinVar's aggregate classification.

Genome Diagnostics Laboratory, University Medical Center Utrecht
Classification: Likely benign. Review status: no assertion criteria provided. Collection method: clinical testing. Allele origin: germline. Affected: yes. Study: VKGL Data-share Consensus. Not counted in ClinVar's aggregate classification.

Laboratory of Diagnostic Genome Analysis, Leiden University Medical Center (LUMC)
Classification: Likely benign. Review status: no assertion criteria provided. Collection method: clinical testing. Allele origin: germline. Affected: yes. Study: VKGL Data-share Consensus. Not counted in ClinVar's aggregate classification.

NM_001009944.3(PKD1):c.6297G>T (p.Gly2099=)

Gene: PKD1 (polycystin 1, transient receptor potential channel interacting; minus strand). Cytogenetic location: 16p13.3.
Variant type: single nucleotide variant.
Coding change: c.6297G>T on transcript NM_001009944.3 (MANE Select); coding-DNA position 6297, G replaced by T.
Protein change: p.Gly2099=; no amino-acid change (glycine 2099 retained).
Molecular consequence: synonymous variant.
Genome position (GRCh38, 1-based): chr16:2,108,870, C>A on the plus strand (G>T on the coding strand, the complement: PKD1 is on the minus strand). VCF-style: chr16-2108870-C-A. GRCh37 (hg19) VCF-style: chr16-2158871-C-A.
Other names: c.6297G>T, p.Gly2099= (NM_000296.4).
Identifiers: ClinVar variation 440089 (VCV000440089.23), dbSNP rs137925121, ClinGen allele CA7831645.
Genomic context (GRCh38, chr16:2,108,870, plus strand): 5'-GTCCCCAGGCCTCAGGTAGGAGTGCTCGGCCCTGGGCTCATCTGTGTCCTGCCCTGGCGA[C>A]CCATCCCCAAAGTCCCAGTGGTAGGCCACACGCCGGGGGCTGGGGCTGGTGGCGGCCTCA-3'
Protein context (NP_001009944.3, residues 2089-2109): RVAYHWDFGD[Gly2099=]SPGQDTDEPR